The following is an entry in ClinVar:

ClinVar aggregate classification (germline): Uncertain significance (1 of 4 stars; one submission).

Conditions:
Infantile-onset X-linked spinal muscular atrophy. Also called: AMC, DISTAL, X-LINKED; ARTHROGRYPOSIS, X-LINKED, TYPE I; SPINAL MUSCULAR ATROPHY, X-LINKED LETHAL INFANTILE; Spinal Muscular Atrophy, X-Linked Infantile; Spinal muscular atrophy, X-linked 2. Identifiers: Orphanet 1145, MedGen C1844934, MONDO:0010532, OMIM 301830.

Submission:

Labcorp Genetics (formerly Invitae), Labcorp
Classification: Uncertain significance for Infantile-onset X-linked spinal muscular atrophy. Last evaluated: 2024-04-03. Review status: criteria provided, single submitter. Criteria: Invitae Variant Classification Sherloc (09022015). Collection method: clinical testing. Allele origin: germline.
Comment: This sequence change replaces leucine, which is neutral and non-polar, with phenylalanine, which is neutral and non-polar, at codon 1007 of the UBA1 protein (p.Leu1007Phe). This variant is not present in population databases (gnomAD no frequency). This variant has not been reported in the literature in individuals affected with UBA1-related conditions. An algorithm developed to predict the effect of missense changes on protein structure and function (PolyPhen-2) suggests that this variant is likely to be disruptive. In summary, the available evidence is currently insufficient to determine the role of this variant in disease. Therefore, it has been classified as a Variant of Uncertain Significance.

NM_003334.4(UBA1):c.3019C>T (p.Leu1007Phe)

Gene: UBA1 (ubiquitin like modifier activating enzyme 1; plus strand). Cytogenetic location: Xp11.3.
Variant type: single nucleotide variant.
Coding change: c.3019C>T on transcript NM_003334.4 (MANE Select); coding-DNA position 3019, C replaced by T.
Protein change: p.Leu1007Phe; replaces leucine 1007 with phenylalanine.
Molecular consequence: missense variant.
Genome position (GRCh38, 1-based): chrX:47,214,615, C>T. VCF-style: chrX-47214615-C-T. GRCh37 (hg19) VCF-style: chrX-47074014-C-T.
Other names: c.3019C>T, p.Leu1007Phe (NM_153280.3); short protein forms L1007F.
Identifiers: ClinVar variation 3648668 (VCV003648668.2).
Genomic context (GRCh38, chrX:47,214,615, plus strand): 5'-ATCACCATGCTGTCCCAGGGCGTGTCCATGCTCTATTCCTTCTTCATGCCAGCTGCCAAG[C>T]TCAAGGAACGGTTGGATCAGCCGTGAGTTGGACACTGGCCAGGCTAGGGGAGGCCCTGTA-3'
Protein context (NP_003325.2, residues 997-1017): LYSFFMPAAK[Leu1007Phe]KERLDQPMTE